The following is an entry in ClinVar:

NM_001377299.1(NDUFS2):c.95+9G>A

Genes: NDUFS2 (NADH:ubiquinone oxidoreductase core subunit S2; plus strand), LOC129931761 (ATAC-STARR-seq lymphoblastoid active region 1985; plus strand). Cytogenetic location: 1q23.3.
Variant type: single nucleotide variant.
Coding change: c.95+9G>A on transcript NM_001377299.1 (MANE Select); 9 bases into the intron after coding-DNA position 95, G replaced by A.
Molecular consequence: intron variant.
Genome position (GRCh38, 1-based): chr1:161,202,489, G>A. VCF-style: chr1-161202489-G-A. GRCh37 (hg19) VCF-style: chr1-161172279-G-A.
Other names: c.95+9G>A (NM_001377300.1, NM_001377298.1, NM_001377301.1 and 4 more transcripts).
Identifiers: ClinVar variation 3358544 (VCV003358544.1).
Genomic context (GRCh38, chr1:161,202,489, plus strand): 5'-CCCAGGTGCTGCGGCCTGGGGCTGGAGTCCGATTGCCGATTCAGCCCAGCAGGTGAGATC[G>A]AGGGCAGCTCTCGACACACTTTCTCCAAGGCTAGGGTTTCTCAGGTTGGGGACGCTTTAC-3'

ClinVar aggregate classification (germline): Likely benign (0 of 4 stars; one submission).

Conditions:
NDUFS2-related disorder. Also called: NDUFS2-related condition.

Submission:

PreventionGenetics, part of Exact Sciences
Classification: Likely benign for NDUFS2-related condition. Last evaluated: 2019-08-14. Review status: no assertion criteria provided. Collection method: clinical testing. Allele origin: germline.
Comment: This variant is classified as likely benign based on ACMG/AMP sequence variant interpretation guidelines (Richards et al. 2015 PMID: 25741868, with internal and published modifications).